The following is an entry in ClinVar:

NM_003632.3(CNTNAP1):c.3841T>C (p.Trp1281Arg)

Gene: CNTNAP1 (contactin associated protein 1; plus strand). Cytogenetic location: 17q21.2.
Variant type: single nucleotide variant.
Coding change: c.3841T>C on transcript NM_003632.3 (MANE Select); coding-DNA position 3841, T replaced by C.
Protein change: p.Trp1281Arg; replaces tryptophan 1281 with arginine.
Molecular consequence: missense variant.
Genome position (GRCh38, 1-based): chr17:42,697,929, T>C. VCF-style: chr17-42697929-T-C. GRCh37 (hg19) VCF-style: chr17-40849947-T-C.
Other names: short protein forms W1281R.
Identifiers: ClinVar variation 1163602 (VCV001163602.10), dbSNP rs150329319, ClinGen allele CA8582464.

ClinVar aggregate classification (germline): Uncertain significance. Review status: criteria provided, multiple submitters, no conflicts (2 of 4 stars). 3 submissions from 3 submitters: Uncertain significance (3). Last evaluated 2024-12-05.

Conditions:
Inborn genetic diseases. Identifiers: MedGen C0950123, MeSH D030342.

Allele frequency attached by ClinVar (database versions not stated): gnomAD 0.00005; TOPMed 0.00007; ESP Exome Variant Server 0.00008; gnomAD exomes 0.00008; ExAC 0.00009.
gnomAD v4.1: 186 of 1,614,038 alleles (0.012%); highest among the groups gnomAD compares: Non-Finnish European, 0.015%; no homozygotes.

Submissions (3):

Labcorp Genetics (formerly Invitae), Labcorp
Classification: Uncertain significance. Last evaluated: 2024-12-05. Review status: criteria provided, single submitter. Criteria: Invitae Variant Classification Sherloc (09022015). Collection method: clinical testing. Allele origin: germline.
Comment: This sequence change replaces tryptophan, which is neutral and slightly polar, with arginine, which is basic and polar, at codon 1281 of the CNTNAP1 protein (p.Trp1281Arg). This variant is present in population databases (rs150329319, gnomAD 0.02%). This variant has not been reported in the literature in individuals affected with CNTNAP1-related conditions. ClinVar contains an entry for this variant (Variation ID: 1163602). An algorithm developed to predict the effect of missense changes on protein structure and function (PolyPhen-2) suggests that this variant is likely to be disruptive. In summary, the available evidence is currently insufficient to determine the role of this variant in disease. Therefore, it has been classified as a Variant of Uncertain Significance.

Ambry Genetics
Classification: Uncertain significance for Inborn genetic diseases. Last evaluated: 2021-09-01. Review status: criteria provided, single submitter. Criteria: Ambry Variant Classification Scheme 2023. Collection method: clinical testing. Allele origin: germline.

Mayo Clinic Laboratories, Mayo Clinic
Classification: Uncertain significance. Last evaluated: 2021-03-02. Review status: criteria provided, single submitter. Criteria: ACMG Guidelines, 2015. Collection method: clinical testing. Allele origin: germline. Observed: 1 variant allele.